The following is an entry in ClinVar:

ClinVar aggregate classification (germline): Likely benign. Review status: criteria provided, single submitter (1 of 4 stars). 2 submissions from 2 submitters: Likely benign (1). 1 of the submissions does not count toward it. Last evaluated 2025-12-17.

Conditions:
COL11A2-related disorder. Also called: COL11A2-related condition; COL11A2-related disorders.

Allele frequency attached by ClinVar (database versions not stated): ExAC 0.00001; TOPMed 0.00002.

Submissions (2):

Labcorp Genetics (formerly Invitae), Labcorp
Classification: Likely benign. Last evaluated: 2025-12-17. Review status: criteria provided, single submitter. Criteria: Invitae Variant Classification Sherloc (09022015). Collection method: clinical testing. Allele origin: germline.

PreventionGenetics, part of Exact Sciences
Classification: Likely benign for COL11A2-related condition. Last evaluated: 2021-09-14. Review status: no assertion criteria provided. Collection method: clinical testing. Allele origin: germline. Not counted in ClinVar's aggregate classification.
Comment: This variant is classified as likely benign based on ACMG/AMP sequence variant interpretation guidelines (Richards et al. 2015 PMID: 25741868, with internal and published modifications).

NM_080680.3(COL11A2):c.960C>T (p.Val320=)

Gene: COL11A2 (collagen type XI alpha 2 chain; minus strand). Cytogenetic location: 6p21.32.
Variant type: single nucleotide variant.
Coding change: c.960C>T on transcript NM_080680.3 (MANE Select); coding-DNA position 960, C replaced by T.
Protein change: p.Val320=; no amino-acid change (valine 320 retained).
Molecular consequence: synonymous variant. On other transcripts: intron variant (5).
Genome position (GRCh38, 1-based): chr6:33,184,304, G>A on the plus strand (C>T on the coding strand, the complement: COL11A2 is on the minus strand). VCF-style: chr6-33184304-G-A. GRCh37 (hg19) VCF-style: chr6-33152081-G-A.
Other names: c.114C>T, p.Val38= (NM_001424109.1); c.93+688C>T (NM_001424111.1, NM_001424110.1); c.798+2323C>T (NM_080679.3); c.861+688C>T (NM_080681.3); c.939+688C>T (NM_001424108.1); c.960C>T (NM_080680.2).
Identifiers: ClinVar variation 2886782 (VCV002886782.5), dbSNP rs769705413, ClinGen allele CA3751505.